The following is an entry in ClinVar:

NM_000742.4(CHRNA2):c.339+12_339+13del

Gene: CHRNA2 (cholinergic receptor nicotinic alpha 2 subunit; minus strand). Cytogenetic location: 8p21.2.
Variant type: Deletion.
Coding change: c.339+12_339+13del on transcript NM_000742.4 (MANE Select); bases 12 to 13 of the intron after coding-DNA position 339, 2 bases deleted (CC; older notation c.339+12_339+13delCC).
Molecular consequence: intron variant.
Genome position (GRCh38, 1-based): chr8:27,469,322-27,469,323, GG deleted on the plus strand (CC on the coding strand, the reverse complement: CHRNA2 is on the minus strand); deleting any 2 consecutive bases within chr8:27,469,322-27,469,327 gives the same sequence; the c. name uses the placement nearest the transcript's 3' end. VCF-style (leftmost placement, unchanged base first): chr8-27469321-AGG-A. GRCh37 (hg19) VCF-style: chr8-27326838-AGG-A.
Other names: c.-134+12_-134+13del (NM_001347705.2, NM_001347706.2); c.294+12_294+13del (NM_001282455.2); c.-123+12_-123+13del (NM_001347708.2); c.-120+12_-120+13del (NM_001347707.2); c.339+12_339+13delCC (NM_000742.3).
Identifiers: ClinVar variation 204944 (VCV000204944.17), dbSNP rs139680977, ClinGen allele CA313401.

ClinVar aggregate classification (germline): Benign. Review status: criteria provided, multiple submitters, no conflicts (2 of 4 stars). 4 submissions from 4 submitters: Benign (4). Last evaluated 2026-02-04.

Conditions:
Familial sleep-related hypermotor epilepsy. Also called: Autosomal Dominant Sleep-Related Hypermotor (Hyperkinetic) Epilepsy. Identifiers: Orphanet 98784, MedGen C3696898, MONDO:0000030.

Submissions (4):

Labcorp Genetics (formerly Invitae), Labcorp
Classification: Benign. Last evaluated: 2026-02-04. Review status: criteria provided, single submitter. Criteria: Invitae Variant Classification Sherloc (09022015). Collection method: clinical testing. Allele origin: germline.

Blueprint Genetics
Classification: Benign. Last evaluated: 2024-11-27. Review status: criteria provided, single submitter. Criteria: ACMG Guidelines, 2015. Collection method: clinical testing. Allele origin: germline.

Unidad de Genómica Garrahan, Hospital de Pediatría Garrahan
Classification: Benign. Last evaluated: 2024-07-15. Review status: criteria provided, single submitter. Criteria: ACMG Guidelines, 2015. Collection method: clinical testing. Allele origin: germline. Affected: no. Observed: 66 variant alleles.
Comment: This variant is classified as Benign based on local population frequency. This variant was detected in 71% of patients studied in a panel designed for Epileptic and Developmental Encephalopathy and Progressive Myoclonus Epilepsy. Number of patients: 66. Only high quality variants are reported.

GeneDx
Classification: Benign. Last evaluated: 2018-06-05. Review status: criteria provided, single submitter. Criteria: GeneDx Variant Classification Process June 2021. Collection method: clinical testing. Allele origin: germline. Affected: yes.